The following is an entry in ClinVar:

ClinVar aggregate classification (germline): Uncertain significance (1 of 4 stars; one submission).

Conditions:
Familial hemiplegic migraine. Identifiers: MedGen C0338484, MONDO:0000700.

Allele frequency attached by ClinVar (database versions not stated): gnomAD exomes 0.00001.
gnomAD v4.1: 13 of 1,614,136 alleles (0.00081%); highest among the groups gnomAD compares: Non-Finnish European, 0.00093%; no homozygotes.

Submission:

Labcorp Genetics (formerly Invitae), Labcorp
Classification: Uncertain significance for Familial hemiplegic migraine. Last evaluated: 2024-04-04. Review status: criteria provided, single submitter. Criteria: Invitae Variant Classification Sherloc (09022015). Collection method: clinical testing. Allele origin: germline.
Comment: This sequence change replaces aspartic acid, which is acidic and polar, with glycine, which is neutral and non-polar, at codon 470 of the ATP1A2 protein (p.Asp470Gly). This variant is not present in population databases (gnomAD no frequency). This variant has not been reported in the literature in individuals affected with ATP1A2-related conditions. ClinVar contains an entry for this variant (Variation ID: 1936447). Advanced modeling of protein sequence and biophysical properties (such as structural, functional, and spatial information, amino acid conservation, physicochemical variation, residue mobility, and thermodynamic stability) performed at Invitae indicates that this missense variant is not expected to disrupt ATP1A2 protein function with a negative predictive value of 80%. In summary, the available evidence is currently insufficient to determine the role of this variant in disease. Therefore, it has been classified as a Variant of Uncertain Significance.

NM_000702.4(ATP1A2):c.1409A>G (p.Asp470Gly)

Gene: ATP1A2 (ATPase Na+/K+ transporting subunit alpha 2; plus strand). Cytogenetic location: 1q23.2.
Variant type: single nucleotide variant.
Coding change: c.1409A>G on transcript NM_000702.4 (MANE Select); coding-DNA position 1409, A replaced by G.
Protein change: p.Asp470Gly; replaces aspartic acid 470 with glycine.
Molecular consequence: missense variant.
Genome position (GRCh38, 1-based): chr1:160,129,348, A>G. VCF-style: chr1-160129348-A-G. GRCh37 (hg19) VCF-style: chr1-160099138-A-G.
Other names: short protein forms D470G.
Identifiers: ClinVar variation 1936447 (VCV001936447.5), dbSNP rs2524869960, ClinGen allele CA343242152.